The following is an entry in ClinVar:

ClinVar aggregate classification (germline): Pathogenic (1 of 4 stars; one submission).

Conditions:
Muscular dystrophy-dystroglycanopathy type B6 (MDDGB6). Also called: MUSCULAR DYSTROPHY-DYSTROGLYCANOPATHY (CONGENITAL WITH IMPAIRED INTELLECTUAL DEVELOPMENT), TYPE B, 6; MUSCULAR DYSTROPHY, CONGENITAL, LARGE-RELATED; MUSCULAR DYSTROPHY, CONGENITAL, TYPE 1D. Identifiers: MedGen C1837229, MONDO:0012138, OMIM 608840.

Submission:

Labcorp Genetics (formerly Invitae), Labcorp
Classification: Pathogenic for Muscular dystrophy-dystroglycanopathy type B6. Last evaluated: 2021-04-12. Review status: criteria provided, single submitter. Criteria: Invitae Variant Classification Sherloc (09022015). Collection method: clinical testing. Allele origin: germline.
Comment: For these reasons, this variant has been classified as Pathogenic. This variant has not been reported in the literature in individuals with LARGE1-related conditions. This variant is a gross deletion of the genomic region encompassing exon(s) 12-13 of the LARGE1 gene. This deletion is out-of-frame, and is expected to create a premature translational stop signal and result in an absent or disrupted protein product. Loss-of-function variants in LARGE1 are known to be pathogenic (PMID: 12966029, 17878207).

Literature cited by the submitters: PubMed 12966029; PubMed 17878207.

NC_000022.10:g.(?_33700195)_(33712254_?)del

Gene: LARGE1 (LARGE xylosyl- and glucuronyltransferase 1; minus strand). Cytogenetic location: 22q12.3.
Variant type: Deletion.
Identifiers: ClinVar variation 1459072 (VCV001459072.8).